The following is an entry in ClinVar:

NM_000496.3(CRYBB2):c.304G>A (p.Val102Met)

Gene: CRYBB2 (crystallin beta B2; plus strand). Cytogenetic location: 22q11.23.
Variant type: single nucleotide variant.
Coding change: c.304G>A on transcript NM_000496.3 (MANE Select); coding-DNA position 304, G replaced by A.
Protein change: p.Val102Met; replaces valine 102 with methionine.
Molecular consequence: missense variant.
Genome position (GRCh38, 1-based): chr22:25,227,983, G>A. VCF-style: chr22-25227983-G-A. GRCh37 (hg19) VCF-style: chr22-25623950-G-A.
Other names: short protein forms V102M.
Identifiers: ClinVar variation 940153 (VCV000940153.9), dbSNP rs769620041, ClinGen allele CA10157983.

ClinVar aggregate classification (germline): Uncertain significance (1 of 4 stars; one submission).

Conditions:
Cataract 3 multiple types. Also called: CATARACT 3, MULTIPLE TYPES, WITH OR WITHOUT MICROCORNEA. Identifiers: Orphanet 1377, MedGen C1832175, MONDO:0011104, OMIM 601547.

Allele frequency attached by ClinVar (database versions not stated): gnomAD exomes 0.00001 and 0.00002; ExAC 0.00003; gnomAD 0.00006; TOPMed 0.00006.
gnomAD v4.1: 19 of 1,613,948 alleles (0.0012%); highest among the groups gnomAD compares: African/African-American, 0.024%; no homozygotes.

Submission:

Labcorp Genetics (formerly Invitae), Labcorp
Classification: Uncertain significance for Cataract 3 multiple types. Last evaluated: 2023-03-10. Review status: criteria provided, single submitter. Criteria: Invitae Variant Classification Sherloc (09022015). Collection method: clinical testing. Allele origin: germline.
Comment: This variant is present in population databases (rs769620041, gnomAD 0.03%). In summary, the available evidence is currently insufficient to determine the role of this variant in disease. Therefore, it has been classified as a Variant of Uncertain Significance. Algorithms developed to predict the effect of sequence changes on RNA splicing suggest that this variant may disrupt the consensus splice site. An algorithm developed to predict the effect of missense changes on protein structure and function (PolyPhen-2) suggests that this variant is likely to be tolerated. ClinVar contains an entry for this variant (Variation ID: 940153). This variant has not been reported in the literature in individuals affected with CRYBB2-related conditions. This sequence change replaces valine, which is neutral and non-polar, with methionine, which is neutral and non-polar, at codon 102 of the CRYBB2 protein (p.Val102Met).